The following is an entry in ClinVar:

NR_023920.2(WT1-AS):n.343G>A

Gene: WT1-AS (WT1 antisense RNA; plus strand). Cytogenetic location: 11p13.
Variant type: single nucleotide variant.
Molecular consequence: non-coding transcript variant (on NR_023920.2).
Genome position: GRCh38 VCF-style: chr11-32437858-G-A. GRCh37 (hg19) VCF-style: chr11-32459404-G-A.
Identifiers: ClinVar variation 2570797 (VCV002570797.27), dbSNP rs138144905, ClinGen allele CA5934347.

ClinVar aggregate classification (germline): Benign (1 of 4 stars; one submission).

Allele frequency attached by ClinVar (database versions not stated): 1000 Genomes Project 0.00280; 1000 Genomes Project 30x 0.00437; ExAC 0.00521; gnomAD exomes 0.00654; gnomAD 0.00782; TOPMed 0.00933.

Submission:

CeGaT Center for Human Genetics Tuebingen
Classification: Benign. Last evaluated: 2026-04-01. Review status: criteria provided, single submitter. Criteria: CeGaT Center For Human Genetics Tuebingen Variant Classification Criteria Version 2. Collection method: clinical testing. Allele origin: germline. Affected: yes. Observed: 12 variant alleles.
Comment: WT1-AS: BS1, BS2